The following is an entry in ClinVar:

NM_024589.3(ROGDI):c.265C>A (p.Leu89Met)

Gene: ROGDI (rogdi atypical leucine zipper; minus strand). Cytogenetic location: 16p13.3.
Variant type: single nucleotide variant.
Coding change: c.265C>A on transcript NM_024589.3 (MANE Select); coding-DNA position 265, C replaced by A.
Protein change: p.Leu89Met; replaces leucine 89 with methionine.
Molecular consequence: missense variant. On other transcripts: non-coding transcript variant (1).
Genome position (GRCh38, 1-based): chr16:4,800,569, G>T on the plus strand (C>A on the coding strand, the complement: ROGDI is on the minus strand). VCF-style: chr16-4800569-G-T. GRCh37 (hg19) VCF-style: chr16-4850570-G-T.
Other names: short protein forms L89M.
Identifiers: ClinVar variation 1019923 (VCV001019923.8), dbSNP rs2082702685, ClinGen allele CA394654384.

ClinVar aggregate classification (germline): Uncertain significance (1 of 4 stars; one submission).

Conditions:
Amelocerebrohypohidrotic syndrome (KTZS). Also called: KOHLSCHUTTER SYNDROME; Kohlschutter's syndrome; EPILEPSY AND YELLOW TEETH; EPILEPSY, DEMENTIA, AND AMELOGENESIS IMPERFECTA. Identifiers: Orphanet 1946, MedGen C0406740, MONDO:0009185, OMIM 226750.

Submission:

Labcorp Genetics (formerly Invitae), Labcorp
Classification: Uncertain significance for Amelocerebrohypohidrotic syndrome. Last evaluated: 2020-09-11. Review status: criteria provided, single submitter. Criteria: Invitae Variant Classification Sherloc (09022015). Collection method: clinical testing. Allele origin: germline.
Comment: This variant is not present in population databases (ExAC no frequency). This sequence change replaces leucine with methionine at codon 89 of the ROGDI protein (p.Leu89Met). The leucine residue is moderately conserved and there is a small physicochemical difference between leucine and methionine. In summary, the available evidence is currently insufficient to determine the role of this variant in disease. Therefore, it has been classified as a Variant of Uncertain Significance. Algorithms developed to predict the effect of missense changes on protein structure and function are either unavailable or do not agree on the potential impact of this missense change (SIFT: "Tolerated"; PolyPhen-2: "Probably Damaging"; Align-GVGD: "Class C0"). This variant has not been reported in the literature in individuals with ROGDI-related conditions.